The following is an entry in ClinVar:

NM_000057.4(BLM):c.2105C>T (p.Pro702Leu)

Gene: BLM (BLM RecQ like helicase; plus strand). Cytogenetic location: 15q26.1.
Variant type: single nucleotide variant.
Coding change: c.2105C>T on transcript NM_000057.4 (MANE Select); coding-DNA position 2105, C replaced by T.
Protein change: p.Pro702Leu; replaces proline 702 with leucine.
Molecular consequence: missense variant.
Genome position (GRCh38, 1-based): chr15:90,765,326, C>T. VCF-style: chr15-90765326-C-T. GRCh37 (hg19) VCF-style: chr15-91308556-C-T.
Other names: c.2105C>T, p.Pro702Leu (NM_001287246.2, NM_001287247.2); c.980C>T, p.Pro327Leu (NM_001287248.2); short protein forms P327L, P702L.
Identifiers: ClinVar variation 1785981 (VCV001785981.4), dbSNP rs770625327, ClinGen allele CA7738662.

ClinVar aggregate classification (germline): Uncertain significance. Review status: criteria provided, multiple submitters, no conflicts (2 of 4 stars). 2 submissions from 2 submitters: Uncertain significance (2). Last evaluated 2026-01-11.

Conditions:
Hereditary cancer-predisposing syndrome. Also called: Neoplastic Syndromes, Hereditary; Tumor predisposition; Hereditary Cancer Syndrome; Hereditary neoplastic syndrome. Identifiers: Orphanet 140162, MedGen C0027672, MeSH D009386, MONDO:0015356.
Bloom syndrome (BLM). Also called: Bloom-Torre-Machacek syndrome. Identifiers: Orphanet 125, MedGen C0005859, MONDO:0008876, OMIM 210900.

Allele frequency attached by ClinVar (database versions not stated): gnomAD exomes below 0.00001; ExAC 0.00001.
gnomAD v4.1: 1 of 1,613,612 alleles (0.000062%); highest among the groups gnomAD compares: East Asian, 0.0022%; no homozygotes.

Submissions (2):

Labcorp Genetics (formerly Invitae), Labcorp
Classification: Uncertain significance for Bloom syndrome. Last evaluated: 2026-01-11. Review status: criteria provided, single submitter. Criteria: Invitae Variant Classification Sherloc (09022015). Collection method: clinical testing. Allele origin: germline.
Comment: This sequence change replaces proline, which is neutral and non-polar, with leucine, which is neutral and non-polar, at codon 702 of the BLM protein (p.Pro702Leu). This variant is present in population databases (rs770625327, gnomAD 0.006%). This variant has not been reported in the literature in individuals affected with BLM-related conditions. ClinVar contains an entry for this variant (Variation ID: 1785981). Invitae Evidence Modeling of protein sequence and biophysical properties (such as structural, functional, and spatial information, amino acid conservation, physicochemical variation, residue mobility, and thermodynamic stability) indicates that this missense variant is expected to disrupt BLM protein function with a positive predictive value of 80%. In summary, the available evidence is currently insufficient to determine the role of this variant in disease. Therefore, it has been classified as a Variant of Uncertain Significance.

Ambry Genetics
Classification: Uncertain significance for Hereditary cancer-predisposing syndrome. Last evaluated: 2025-03-22. Review status: criteria provided, single submitter. Criteria: Ambry Variant Classification Scheme 2023. Collection method: clinical testing. Allele origin: germline.
Comment: The p.P702L variant (also known as c.2105C>T), located in coding exon 8 of the BLM gene, results from a C to T substitution at nucleotide position 2105. The proline at codon 702 is replaced by leucine, an amino acid with similar properties. This amino acid position is conserved. In addition, this alteration is predicted to be deleterious by in silico analysis. Since supporting evidence is limited at this time, the clinical significance of this alteration remains unclear.